The following is an entry in ClinVar:

NM_015331.3(NCSTN):c.1290del (p.Leu431fs)

Gene: NCSTN (nicastrin; plus strand). Cytogenetic location: 1q23.2.
Variant type: Deletion.
Coding change: c.1290del on transcript NM_015331.3 (MANE Select); coding-DNA position 1290, one base deleted (T; older notation c.1290delT).
Protein change: p.Leu431fs; shifts the reading frame from leucine 431.
Molecular consequence: frameshift variant.
Genome position (GRCh38, 1-based): chr1:160,354,228, T deleted; the last of 3 consecutive T bases (chr1:160,354,226-160,354,228); deleting any one gives the same sequence. VCF-style (leftmost placement, unchanged base first): chr1-160354225-AT-A. GRCh37 (hg19) VCF-style: chr1-160324015-AT-A.
Other names: c.1230del, p.Leu411fs (NM_001290184.2); c.876del, p.Leu293fs (NM_001290186.2); c.1290del, p.Leu431fs (NM_001349729.2); short protein forms L411fs, L293fs, L431fs.
Identifiers: ClinVar variation 1403303 (VCV001403303.6), dbSNP rs2101906549, ClinGen allele CA2573131225.

ClinVar aggregate classification (germline): Pathogenic (1 of 4 stars; one submission).

Submission:

Labcorp Genetics (formerly Invitae), Labcorp
Classification: Pathogenic. Last evaluated: 2021-08-26. Review status: criteria provided, single submitter. Criteria: Invitae Variant Classification Sherloc (09022015). Collection method: clinical testing. Allele origin: germline.
Comment: For these reasons, this variant has been classified as Pathogenic. This variant has not been reported in the literature in individuals affected with NCSTN-related conditions. This variant is not present in population databases (ExAC no frequency). This sequence change creates a premature translational stop signal (p.Leu431Phefs*35) in the NCSTN gene. It is expected to result in an absent or disrupted protein product. Loss-of-function variants in NCSTN are known to be pathogenic (PMID: 20929727, 21430701, 22358060).

Literature cited by the submitters: PubMed 20929727; PubMed 21430701; PubMed 22358060.